The following is an entry in ClinVar:

ClinVar aggregate classification (germline): Conflicting classifications of pathogenicity. Review status: criteria provided, conflicting classifications (1 of 4 stars). 3 submissions from 3 submitters: Uncertain significance (1); Benign (1); Likely benign (1). Last evaluated 2023-04-01.

Conditions:
Majeed syndrome (MJDS). Also called: LPIN2-Related Majeed Syndrome; CHRONIC RECURRENT MULTIFOCAL OSTEOMYELITIS 1, WITH CONGENITAL DYSERYTHROPOIETIC ANEMIA, WITH OR WITHOUT NEUTROPHILIC DERMATOSIS. Identifiers: Orphanet 77297, MedGen C1864997, MONDO:0012316, OMIM 609628.
Autoinflammatory syndrome. Identifiers: Orphanet 93665, MedGen C3890737, MONDO:0019751.

Allele frequency attached by ClinVar (database versions not stated): 1000 Genomes Project 30x 0.00297; 1000 Genomes Project 0.00339; TOPMed 0.00552; gnomAD 0.00608; gnomAD exomes 0.00828.
gnomAD v4.1: 2,642 of 358,062 alleles (0.74%); highest among the groups gnomAD compares: Non-Finnish European, 1%; 18 homozygotes.

Submissions (3):

CeGaT Center for Human Genetics Tuebingen
Classification: Benign. Last evaluated: 2023-04-01. Review status: criteria provided, single submitter. Criteria: CeGaT Center For Human Genetics Tuebingen Variant Classification Criteria Version 2. Collection method: clinical testing. Allele origin: germline. Affected: yes. Observed: 2 variant alleles.
Comment: LPIN2: BS1, BS2

Illumina Laboratory Services, Illumina
Classification: Likely benign for Majeed syndrome. Last evaluated: 2018-01-13. Review status: criteria provided, single submitter. Criteria: ICSL Variant Classification Criteria 13 December 2019. Collection method: clinical testing. Allele origin: germline.
Comment: This variant was observed in the ICSL laboratory as part of a predisposition screen in an ostensibly healthy population. It had not been previously curated by ICSL or reported in the Human Gene Mutation Database (HGMD: prior to June 1st, 2018), and was therefore a candidate for classification through an automated scoring system. Utilizing variant allele frequency, disease prevalence and penetrance estimates, and inheritance mode, an automated score was calculated to assess if this variant is too frequent to cause the disease. Based on the score and internal cut-off values, a variant classified as likely benign is not then subjected to further curation. The score for this variant resulted in a classification of likely benign for this disease.

Genome Diagnostics Laboratory, The Hospital for Sick Children
Classification: Uncertain significance for Autoinflammatory syndrome. Last evaluated: 2017-01-06. Review status: criteria provided, single submitter. Criteria: ACMG Guidelines, 2015. Collection method: clinical testing. Allele origin: germline. Affected: yes.

NM_001375808.2(LPIN2):c.*358G>A

Gene: LPIN2 (lipin 2; minus strand). Cytogenetic location: 18p11.31.
Variant type: single nucleotide variant.
Coding change: c.*358G>A on transcript NM_001375808.2 (MANE Select); 358 bases downstream of the stop codon, G replaced by A.
Molecular consequence: 3 prime UTR variant.
Genome position (GRCh38, 1-based): chr18:2,919,935, C>T on the plus strand (G>A on the coding strand, the complement: LPIN2 is on the minus strand). VCF-style: chr18-2919935-C-T. GRCh37 (hg19) VCF-style: chr18-2919933-C-T.
Other names: c.*358G>A (NM_001375809.1, NM_014646.2).
Identifiers: ClinVar variation 326623 (VCV000326623.36), dbSNP rs184193388, ClinGen allele CA10650683.